The following is an entry in ClinVar:

ClinVar aggregate classification (germline): Uncertain significance (1 of 4 stars; one submission).

Conditions:
Epileptic encephalopathy. Identifiers: MedGen C0543888, HP:0200134.

gnomAD v4.1: 13 of 1,603,052 alleles (0.00081%); highest among the groups gnomAD compares: African/African-American, 0.016%; no homozygotes.

Submission:

Labcorp Genetics (formerly Invitae), Labcorp
Classification: Uncertain significance for Epileptic encephalopathy. Last evaluated: 2024-03-06. Review status: criteria provided, single submitter. Criteria: Invitae Variant Classification Sherloc (09022015). Collection method: clinical testing. Allele origin: germline.
Comment: This sequence change replaces lysine, which is basic and polar, with asparagine, which is neutral and polar, at codon 2391 of the FASN protein (p.Lys2391Asn). This variant is present in population databases (rs534913727, gnomAD 0.01%). This variant has not been reported in the literature in individuals affected with FASN-related conditions. An algorithm developed to predict the effect of missense changes on protein structure and function (PolyPhen-2) suggests that this variant is likely to be tolerated. In summary, the available evidence is currently insufficient to determine the role of this variant in disease. Therefore, it has been classified as a Variant of Uncertain Significance.

NM_004104.5(FASN):c.7173G>T (p.Lys2391Asn)

Genes: FASN (fatty acid synthase; minus strand), LOC129390948 (MPRA-validated peak3028 silencer; plus strand). Cytogenetic location: 17q25.3.
Variant type: single nucleotide variant.
Coding change: c.7173G>T on transcript NM_004104.5 (MANE Select); coding-DNA position 7173, G replaced by T.
Protein change: p.Lys2391Asn; replaces lysine 2391 with asparagine.
Molecular consequence: missense variant.
Genome position (GRCh38, 1-based): chr17:82,079,582, C>A on the plus strand (G>T on the coding strand, the complement: FASN is on the minus strand). VCF-style: chr17-82079582-C-A. GRCh37 (hg19) VCF-style: chr17-80037458-C-A.
Other names: short protein forms K2391N.
Identifiers: ClinVar variation 3714264 (VCV003714264.2).